The following is an entry in ClinVar:

NM_001807.6(CEL):c.1834G>C (p.Ala612Pro)

Gene: CEL (carboxyl ester lipase; plus strand). Cytogenetic location: 9q34.13.
Variant type: single nucleotide variant.
Coding change: c.1834G>C on transcript NM_001807.6 (MANE Select); coding-DNA position 1834, G replaced by C.
Protein change: p.Ala612Pro; replaces alanine 612 with proline.
Molecular consequence: missense variant.
Genome position (GRCh38, 1-based): chr9:133,071,336, G>C. VCF-style: chr9-133071336-G-C. GRCh37 (hg19) VCF-style: chr9-135946723-G-C.
Other names: c.1843G>C (NM_001807.3); short protein forms A612P.
Identifiers: ClinVar variation 1175054 (VCV001175054.34), dbSNP rs1322454680, ClinGen allele CA375401178.

ClinVar aggregate classification (germline): Conflicting classifications of pathogenicity. Review status: criteria provided, conflicting classifications (1 of 4 stars). 7 submissions from 7 submitters: Uncertain significance (1); Benign (1); Likely benign (2). 3 of the submissions do not count toward it. Last evaluated 2024-11-20.

Conditions:
Inborn genetic diseases. Identifiers: MedGen C0950123, MeSH D030342.

gnomAD v4.1: 729 of 349,150 alleles (0.21%); highest among the groups gnomAD compares: African/African-American, 0.29%; 1 homozygote.

Submissions (7):

Blueprint Genetics
Classification: Likely benign. Last evaluated: 2024-11-20. Review status: criteria provided, single submitter. Criteria: ACMG Guidelines, 2015. Collection method: clinical testing. Allele origin: germline.

CeGaT Center for Human Genetics Tuebingen
Classification: Benign. Last evaluated: 2024-08-01. Review status: criteria provided, single submitter. Criteria: CeGaT Center For Human Genetics Tuebingen Variant Classification Criteria Version 2. Collection method: clinical testing. Allele origin: germline. Affected: yes. Observed: 4 variant alleles.
Comment: CEL: BS1, BS2

Ambry Genetics
Classification: Uncertain significance for Inborn genetic diseases. Last evaluated: 2021-10-06. Review status: criteria provided, single submitter. Criteria: Ambry Variant Classification Scheme 2023. Collection method: clinical testing. Allele origin: germline.

Breakthrough Genomics
Classification: Likely benign. Review status: criteria provided, single submitter. Criteria: ACMG Guidelines, 2015. Collection method: not provided. Allele origin: germline. Inheritance: Autosomal dominant inheritance. Affected: yes.

Clinical Genetics DNA and cytogenetics Diagnostics Lab, Erasmus MC, Erasmus Medical Center
Classification: Likely benign. Review status: no assertion criteria provided. Collection method: clinical testing. Allele origin: germline. Affected: yes. Study: VKGL Data-share Consensus. Not counted in ClinVar's aggregate classification.

Diagnostic Laboratory, Department of Genetics, University Medical Center Groningen
Classification: Likely benign. Review status: no assertion criteria provided. Collection method: clinical testing. Allele origin: germline. Affected: yes. Study: VKGL Data-share Consensus. Not counted in ClinVar's aggregate classification.

Laboratory of Diagnostic Genome Analysis, Leiden University Medical Center (LUMC)
Classification: Benign. Review status: no assertion criteria provided. Collection method: clinical testing. Allele origin: germline. Affected: yes. Study: VKGL Data-share Consensus. Not counted in ClinVar's aggregate classification.